The following is an entry in ClinVar:

NM_000057.4(BLM):c.1164T>A (p.Asp388Glu)

Gene: BLM (BLM RecQ like helicase; plus strand). Cytogenetic location: 15q26.1.
Variant type: single nucleotide variant.
Coding change: c.1164T>A on transcript NM_000057.4 (MANE Select); coding-DNA position 1164, T replaced by A.
Protein change: p.Asp388Glu; replaces aspartic acid 388 with glutamic acid.
Molecular consequence: missense variant.
Genome position (GRCh38, 1-based): chr15:90,760,223, T>A. VCF-style: chr15-90760223-T-A. GRCh37 (hg19) VCF-style: chr15-91303453-T-A.
Other names: c.1164T>A, p.Asp388Glu (NM_001287246.2, NM_001287247.2); c.39T>A, p.Asp13Glu (NM_001287248.2); short protein forms D13E, D388E.
Identifiers: ClinVar variation 3223809 (VCV003223809.3), dbSNP rs2151157391, ClinGen allele CA393842453.

ClinVar aggregate classification (germline): Uncertain significance. Review status: criteria provided, multiple submitters, no conflicts (2 of 4 stars). 2 submissions from 2 submitters: Uncertain significance (2). Last evaluated 2024-09-19.

Conditions:
Bloom syndrome (BLM). Also called: Bloom-Torre-Machacek syndrome. Identifiers: Orphanet 125, MedGen C0005859, MONDO:0008876, OMIM 210900.
Hereditary cancer-predisposing syndrome. Also called: Tumor predisposition; Hereditary neoplastic syndrome; Hereditary Cancer Syndrome; Neoplastic Syndromes, Hereditary. Identifiers: Orphanet 140162, MedGen C0027672, MeSH D009386, MONDO:0015356.

Submissions (2):

Labcorp Genetics (formerly Invitae), Labcorp
Classification: Uncertain significance for Bloom syndrome. Last evaluated: 2024-09-19. Review status: criteria provided, single submitter. Criteria: Invitae Variant Classification Sherloc (09022015). Collection method: clinical testing. Allele origin: germline.
Comment: This sequence change replaces aspartic acid, which is acidic and polar, with glutamic acid, which is acidic and polar, at codon 388 of the BLM protein (p.Asp388Glu). This variant is not present in population databases (gnomAD no frequency). This variant has not been reported in the literature in individuals affected with BLM-related conditions. Invitae Evidence Modeling of protein sequence and biophysical properties (such as structural, functional, and spatial information, amino acid conservation, physicochemical variation, residue mobility, and thermodynamic stability) indicates that this missense variant is not expected to disrupt BLM protein function with a negative predictive value of 80%. In summary, the available evidence is currently insufficient to determine the role of this variant in disease. Therefore, it has been classified as a Variant of Uncertain Significance.

Ambry Genetics
Classification: Uncertain significance for Hereditary cancer-predisposing syndrome. Last evaluated: 2023-12-15. Review status: criteria provided, single submitter. Criteria: Ambry Variant Classification Scheme 2023. Collection method: clinical testing. Allele origin: germline.
Comment: The p.D388E variant (also known as c.1164T>A), located in coding exon 5 of the BLM gene, results from a T to A substitution at nucleotide position 1164. The aspartic acid at codon 388 is replaced by glutamic acid, an amino acid with highly similar properties. This amino acid position is conserved. In addition, this alteration is predicted to be tolerated by in silico analysis. Since supporting evidence is limited at this time, the clinical significance of this alteration remains unclear.